The following is an entry in ClinVar:

ClinVar aggregate classification (germline): Pathogenic (1 of 4 stars; one submission).

Conditions:
Alkaptonuria (AKU). Also called: HOMOGENTISIC ACID OXIDASE DEFICIENCY; Alkaptonuric ochronosis; Alcaptonuria; Homogentisic acidura. Identifiers: Orphanet 56, MedGen C0002066, MONDO:0008753, OMIM 203500.

Submission:

Labcorp Genetics (formerly Invitae), Labcorp
Classification: Pathogenic for Alkaptonuria. Last evaluated: 2023-10-20. Review status: criteria provided, single submitter. Criteria: Invitae Variant Classification Sherloc (09022015). Collection method: clinical testing. Allele origin: unknown.
Comment: This variant is a gross deletion of the genomic region encompassing exon(s) 14 of the HGD gene, which includes the termination codon. This deletion extends beyond the assayed region for this gene and therefore may encompass additional genes. While this deletion is not anticipated to lead to nonsense mediated decay, it is expected to alter mRNA translation or result in a truncated protein product. This variant has not been reported in the literature in individuals affected with HGD-related conditions. This variant disrupts a region of the HGD protein in which other variant(s) (p.Lys431Hisfs*11) have been determined to be pathogenic (PMID: 23430897, 25681086; Invitae). This suggests that this is a clinically significant region of the protein, and that variants that disrupt it are likely to be disease-causing. For these reasons, this variant has been classified as Pathogenic.

Literature cited by the submitters: PubMed 23430897; PubMed 25681086.

NC_000003.11:g.(?_120347227)_(120347417_?)del

Gene: HGD (homogentisate 1,2-dioxygenase; minus strand). Cytogenetic location: 3q13.33.
Variant type: Deletion.
Identifiers: ClinVar variation 3246781 (VCV003246781.1).